The following is an entry in ClinVar:

NM_001312673.2(PCYT1A):c.448C>G (p.Pro150Ala)

Genes: PCYT1A (phosphate cytidylyltransferase 1A, choline; minus strand), LOC126806932 (BRD4-independent group 4 enhancer GRCh37_chr3:195973646-195974845; plus strand). Cytogenetic location: 3q29.
Variant type: single nucleotide variant.
Coding change: c.448C>G on transcript NM_001312673.2 (MANE Select); coding-DNA position 448, C replaced by G.
Protein change: p.Pro150Ala; replaces proline 150 with alanine.
Molecular consequence: missense variant.
Genome position (GRCh38, 1-based): chr3:196,247,405, G>C on the plus strand (C>G on the coding strand, the complement: PCYT1A is on the minus strand). VCF-style: chr3-196247405-G-C. GRCh37 (hg19) VCF-style: chr3-195974276-G-C.
Other names: c.448C>G, p.Pro150Ala (NM_005017.4); short protein forms P150A.
Identifiers: ClinVar variation 101058 (VCV000101058.11), dbSNP rs587777190, ClinGen allele CA214462.

ClinVar aggregate classification (germline): Pathogenic/Likely pathogenic. Review status: criteria provided, multiple submitters, no conflicts (2 of 4 stars). 3 submissions from 3 submitters: Pathogenic (1); Likely pathogenic (1). 1 of the submissions does not count toward it. Last evaluated 2024-02-26.

Conditions:
Spondylometaphyseal dysplasia-cone-rod dystrophy syndrome. Identifiers: Orphanet 85167, MedGen C1837073, MONDO:0012160, OMIM 608940.

Allele frequency attached by ClinVar (database versions not stated): gnomAD exomes below 0.00001.
gnomAD v4.1: 3 of 1,614,178 alleles (0.00019%); highest among the groups gnomAD compares: Non-Finnish European, 0.00017%; no homozygotes.

Submissions (3):

Labcorp Genetics (formerly Invitae), Labcorp
Classification: Likely pathogenic. Last evaluated: 2024-02-26. Review status: criteria provided, single submitter. Criteria: Invitae Variant Classification Sherloc (09022015). Collection method: clinical testing. Allele origin: germline.
Comment: This sequence change replaces proline, which is neutral and non-polar, with alanine, which is neutral and non-polar, at codon 150 of the PCYT1A protein (p.Pro150Ala). This variant is present in population databases (no rsID available, gnomAD 0.0009%). This missense change has been observed in individual(s) with spondylometaphyseal dysplasia (PMID: 24387990). In at least one individual the data is consistent with being in trans (on the opposite chromosome) from a pathogenic variant. ClinVar contains an entry for this variant (Variation ID: 101058). Advanced modeling of protein sequence and biophysical properties (such as structural, functional, and spatial information, amino acid conservation, physicochemical variation, residue mobility, and thermodynamic stability) performed at Invitae indicates that this missense variant is expected to disrupt PCYT1A protein function with a positive predictive value of 95%. Experimental studies have shown that this missense change affects PCYT1A function (PMID: 30559292). In summary, the currently available evidence indicates that the variant is pathogenic, but additional data are needed to prove that conclusively. Therefore, this variant has been classified as Likely Pathogenic.

Baylor-Hopkins Center for Mendelian Genomics, Johns Hopkins University School of Medicine
Classification: Pathogenic for Spondylometaphyseal dysplasia-cone-rod dystrophy syndrome. Review status: criteria provided, single submitter. Criteria: Submitter's publication. Collection method: research. Allele origin: germline. Affected: yes. Observed: 1 compound heterozygote.

OMIM
Classification: Pathogenic for SPONDYLOMETAPHYSEAL DYSPLASIA WITH CONE-ROD DYSTROPHY. Last evaluated: 2014-01-02. Review status: no assertion criteria provided. Collection method: literature only. Allele origin: germline. Not counted in ClinVar's aggregate classification.

Literature cited by the submitters: PubMed 24387990 (cited by Labcorp Genetics (formerly Invitae), Labcorp and OMIM); PubMed 30559292 (cited by Labcorp Genetics (formerly Invitae), Labcorp).